The following is an entry in ClinVar:

ClinVar aggregate classification (germline): not provided (0 of 4 stars; one submission).

gnomAD v4.1: 1 of 1,614,132 alleles (0.000062%); highest among the groups gnomAD compares: Non-Finnish European, 0.000085%; no homozygotes.

Submission:

ITMI
No classification provided. Condition: AllHighlyPenetrant. Last evaluated: 2013-09-19. Review status: no classification provided. Collection method: reference population. Allele origin: germline.
Comment: Please see associated publication for description of ethnicities

Literature cited by the submitters: PubMed 24728327.

NM_000215.4(JAK3):c.1830G>A (p.Met610Ile)

Gene: JAK3 (Janus kinase 3; minus strand). Cytogenetic location: 19p13.11.
Variant type: single nucleotide variant.
Coding change: c.1830G>A on transcript NM_000215.4 (MANE Select); coding-DNA position 1830, G replaced by A.
Protein change: p.Met610Ile; replaces methionine 610 with isoleucine.
Molecular consequence: missense variant.
Genome position (GRCh38, 1-based): chr19:17,836,008, C>T on the plus strand (G>A on the coding strand, the complement: JAK3 is on the minus strand). VCF-style: chr19-17836008-C-T. GRCh37 (hg19) VCF-style: chr19-17946817-C-T.
Other names: short protein forms M610I.
Identifiers: ClinVar variation 134570 (VCV000134570.1), dbSNP rs587778415, ClinGen allele CA160216.